The following is an entry in ClinVar:

NM_000051.4(ATM):c.299T>A (p.Leu100Ter)

Gene: ATM (ATM serine/threonine kinase; plus strand). Cytogenetic location: 11q22.3.
Variant type: single nucleotide variant.
Coding change: c.299T>A on transcript NM_000051.4 (MANE Select); coding-DNA position 299, T replaced by A.
Protein change: p.Leu100Ter; replaces leucine 100 with a stop codon.
Molecular consequence: nonsense.
Genome position (GRCh38, 1-based): chr11:108,229,291, T>A. VCF-style: chr11-108229291-T-A. GRCh37 (hg19) VCF-style: chr11-108100018-T-A.
Other names: c.299T>A, p.Leu100Ter (NM_001351834.2, NM_001351835.2, NM_001351836.2); short protein forms L100*.
Identifiers: ClinVar variation 582130 (VCV000582130.11), dbSNP rs761936549, ClinGen allele CA382521735.

ClinVar aggregate classification (germline): Pathogenic. Review status: criteria provided, multiple submitters, no conflicts (2 of 4 stars). 3 submissions from 3 submitters: Pathogenic (3). Last evaluated 2023-05-02.

Conditions:
Familial cancer of breast. Also called: hereditary breast carcinoma; BREAST CANCER, FAMILIAL; Hereditary breast cancer. Identifiers: Orphanet 227535, MedGen C0346153, MONDO:0016419, OMIM 114480. Disease mechanism: loss of function.
Ataxia-telangiectasia syndrome (AT). Also called: Ataxia-telangiectasia, complementation group D; AT, COMPLEMENTATION GROUP C; Ataxia-telangiectasia, complementation group E; Cerebello-oculocutaneous telangiectasia; Immunodeficiency with ataxia telangiectasia; ATAXIA-TELANGIECTASIA, COMPLEMENTATION GROUP A. Identifiers: Orphanet 100, MedGen C0004135, MONDO:0008840, OMIM 208900.

Submissions (3):

Baylor Genetics
Classification: Pathogenic for Familial cancer of breast. Last evaluated: 2023-05-02. Review status: criteria provided, single submitter. Criteria: ACMG Guidelines, 2015. Collection method: clinical testing. Allele origin: unknown.

Myriad Genetics, Inc.
Classification: Pathogenic for Familial cancer of breast. Last evaluated: 2023-01-13. Review status: criteria provided, single submitter. Criteria: Myriad Autosomal Dominant, Autosomal Recessive and X-Linked Classification Criteria (2023). Collection method: clinical testing. Allele origin: unknown.
Comment: This variant is considered pathogenic. This variant creates a termination codon and is predicted to result in premature protein truncation.

Labcorp Genetics (formerly Invitae), Labcorp
Classification: Pathogenic for Ataxia-telangiectasia syndrome. Last evaluated: 2018-08-20. Review status: criteria provided, single submitter. Criteria: Invitae Variant Classification Sherloc (09022015). Collection method: clinical testing. Allele origin: germline.
Comment: For these reasons, this variant has been classified as Pathogenic. Loss-of-function variants in ATM are known to be pathogenic (PMID: 23807571, 25614872). This variant has been observed in an individual affected with ataxia-telangiectasia (PMID: 10817650). This variant is not present in population databases (ExAC no frequency). This sequence change creates a premature translational stop signal (p.Leu100*) in the ATM gene. It is expected to result in an absent or disrupted protein product.

Literature cited by the submitters: PubMed 23807571 (cited by Labcorp Genetics (formerly Invitae), Labcorp); PubMed 25614872 (cited by Labcorp Genetics (formerly Invitae), Labcorp); PubMed 10817650 (cited by Labcorp Genetics (formerly Invitae), Labcorp).